The following is an entry in ClinVar:

ClinVar aggregate classification (germline): Uncertain significance (1 of 4 stars; one submission).

Submission:

Labcorp Genetics (formerly Invitae), Labcorp
Classification: Uncertain significance. Last evaluated: 2025-12-15. Review status: criteria provided, single submitter. Criteria: Invitae Variant Classification Sherloc (09022015). Collection method: clinical testing. Allele origin: germline.
Comment: This variant, c.43_51del, results in the deletion of 3 amino acid(s) of the KMT2A protein (p.Thr15_Gly17del), but otherwise preserves the integrity of the reading frame. This variant is not present in population databases (gnomAD no frequency). This variant has not been reported in the literature in individuals affected with KMT2A-related conditions. Experimental studies and prediction algorithms are not available or were not evaluated, and the functional significance of this variant is currently unknown. In summary, the available evidence is currently insufficient to determine the role of this variant in disease. Therefore, it has been classified as a Variant of Uncertain Significance.

NM_001197104.2(KMT2A):c.43_51del (p.Thr15_Gly17del)

Gene: KMT2A (lysine methyltransferase 2A; plus strand). Cytogenetic location: 11q23.3.
Variant type: Deletion.
Coding change: c.43_51del on transcript NM_001197104.2 (MANE Select); coding-DNA positions 43 to 51, 9 bases deleted (ACCACCGGG; older notation c.43_51delACCACCGGG).
Protein change: p.Thr15_Gly17del.
Molecular consequence: inframe deletion.
Genome position (GRCh38, 1-based): chr11:118,436,555-118,436,563, ACCACCGGG deleted; deleting any 9 consecutive bases within chr11:118,436,550-118,436,563 gives the same sequence; the c. name uses the placement nearest the transcript's 3' end. VCF-style (leftmost placement, unchanged base first): chr11-118436549-CCCGGGACCA-C. GRCh37 (hg19) VCF-style: chr11-118307264-CCCGGGACCA-C.
Other names: c.43_51del, p.Thr15_Gly17del (NM_001412597.1, NM_005933.4).
Identifiers: ClinVar variation 4722898 (VCV004722898.1).